The following is an entry in ClinVar:

NM_000687.4(AHCY):c.82G>A (p.Glu28Lys)

Gene: AHCY (adenosylhomocysteinase; minus strand). Cytogenetic location: 20q11.22.
Variant type: single nucleotide variant.
Coding change: c.82G>A on transcript NM_000687.4 (MANE Select); coding-DNA position 82, G replaced by A.
Protein change: p.Glu28Lys; replaces glutamic acid 28 with lysine.
Molecular consequence: missense variant. On other transcripts: 5 prime UTR variant (3).
Genome position (GRCh38, 1-based): chr20:34,295,532, C>T on the plus strand (G>A on the coding strand, the complement: AHCY is on the minus strand). VCF-style: chr20-34295532-C-T. GRCh37 (hg19) VCF-style: chr20-32883338-C-T.
Other names: c.-3G>A (NM_001161766.2, NM_001322084.2, NM_001322085.2); c.88G>A, p.Glu30Lys (NM_001322086.2); c.82G>A, p.Glu28Lys (NM_001362750.2); short protein forms E28K, E30K.
Identifiers: ClinVar variation 1715302 (VCV001715302.5), dbSNP rs199828562, ClinGen allele CA313354653.

ClinVar aggregate classification (germline): Uncertain significance (1 of 4 stars; one submission).

Conditions:
Hypermethioninemia with deficiency of S-adenosylhomocysteine hydrolase. Identifiers: Orphanet 88618, MedGen C3151058, MONDO:0013404, OMIM 613752.

Submission:

Labcorp Genetics (formerly Invitae), Labcorp
Classification: Uncertain significance for Hypermethioninemia with deficiency of S-adenosylhomocysteine hydrolase. Last evaluated: 2022-08-06. Review status: criteria provided, single submitter. Criteria: Invitae Variant Classification Sherloc (09022015). Collection method: clinical testing. Allele origin: germline.
Comment: This sequence change replaces glutamic acid, which is acidic and polar, with lysine, which is basic and polar, at codon 28 of the AHCY protein (p.Glu28Lys). This variant is not present in population databases (gnomAD no frequency). This variant has not been reported in the literature in individuals affected with AHCY-related conditions. Algorithms developed to predict the effect of missense changes on protein structure and function are either unavailable or do not agree on the potential impact of this missense change (SIFT: "Not Available"; PolyPhen-2: "Possibly Damaging"; Align-GVGD: "Not Available"). In summary, the available evidence is currently insufficient to determine the role of this variant in disease. Therefore, it has been classified as a Variant of Uncertain Significance.